The following is an entry in ClinVar:

ClinVar aggregate classification (germline): Likely benign. Review status: criteria provided, multiple submitters, no conflicts (2 of 4 stars). 2 submissions from 2 submitters: Likely benign (2). Last evaluated 2025-12-01.

Conditions:
Adams-Oliver syndrome 5 (AOS5). Identifiers: Orphanet 974, MedGen C4014970, MONDO:0014459, OMIM 616028.

Allele frequency attached by ClinVar (database versions not stated): TOPMed below 0.00001; gnomAD exomes 0.00001; ExAC 0.00002.
gnomAD v4.1: 16 of 1,612,808 alleles (0.00099%); highest among the groups gnomAD compares: Middle Eastern, 0.033%; 1 homozygote.

Submissions (2):

Labcorp Genetics (formerly Invitae), Labcorp
Classification: Likely benign for Adams-Oliver syndrome 5. Last evaluated: 2025-12-01. Review status: criteria provided, single submitter. Criteria: Invitae Variant Classification Sherloc (09022015). Collection method: clinical testing. Allele origin: germline.

GeneDx
Classification: Likely benign. Last evaluated: 2017-07-31. Review status: criteria provided, single submitter. Criteria: GeneDx Variant Classification (06012015). Collection method: clinical testing. Allele origin: germline. Affected: yes.
Comment: This variant is considered likely benign or benign based on one or more of the following criteria: it is a conservative change, it occurs at a poorly conserved position in the protein, it is predicted to be benign by multiple in silico algorithms, and/or has population frequency not consistent with disease.

NM_017617.5(NOTCH1):c.3643+14C>T

Gene: NOTCH1 (notch receptor 1; minus strand). Cytogenetic location: 9q34.3.
Variant type: single nucleotide variant.
Coding change: c.3643+14C>T on transcript NM_017617.5 (MANE Select); 14 bases into the intron after coding-DNA position 3643, C replaced by T.
Molecular consequence: intron variant.
Genome position (GRCh38, 1-based): chr9:136,507,291, G>A on the plus strand (C>T on the coding strand, the complement: NOTCH1 is on the minus strand). VCF-style: chr9-136507291-G-A. GRCh37 (hg19) VCF-style: chr9-139401743-G-A.
Other names: c.3643+14C>T (LRG_1122t1).
Identifiers: ClinVar variation 511229 (VCV000511229.3), dbSNP rs776243821, ClinGen allele CA5340859.
Genomic context (GRCh38, chr9:136,507,291, plus strand): 5'-GTCCCGGGGTGCCTGCCCTGCCCCTGCCCTGGCCATGGATGGCCAACACCAGCCCTCCGT[G>A]CAGCGGCCCTTACCCTGAGTGCCCCGTGGGCAGGAGCACTTGTAGGTGTTGGGGAGGTCG-3'